The following is an entry in ClinVar:

NM_012268.4(PLD3):c.27+3A>G

Gene: PLD3 (phospholipase D family member 3; plus strand). Cytogenetic location: 19q13.2.
Variant type: single nucleotide variant.
Coding change: c.27+3A>G on transcript NM_012268.4 (MANE Select); 3 bases into the intron after coding-DNA position 27, A replaced by G.
Molecular consequence: intron variant.
Genome position (GRCh38, 1-based): chr19:40,366,513, A>G. VCF-style: chr19-40366513-A-G. GRCh37 (hg19) VCF-style: chr19-40872420-A-G.
Other names: c.27+3A>G (NM_001031696.4, NM_001291311.2).
Identifiers: ClinVar variation 3000650 (VCV003000650.3), dbSNP rs1160891929, ClinGen allele CA633466179.

ClinVar aggregate classification (germline): Uncertain significance (1 of 4 stars; one submission).

gnomAD v4.1: 1 of 1,612,840 alleles (0.000062%); highest among the groups gnomAD compares: Admixed American, 0.0017%; no homozygotes.

Submission:

Labcorp Genetics (formerly Invitae), Labcorp
Classification: Uncertain significance. Last evaluated: 2023-06-20. Review status: criteria provided, single submitter. Criteria: Invitae Variant Classification Sherloc (09022015). Collection method: clinical testing. Allele origin: germline.
Comment: In summary, the available evidence is currently insufficient to determine the role of this variant in disease. Therefore, it has been classified as a Variant of Uncertain Significance. Variants that disrupt the consensus splice site are a relatively common cause of aberrant splicing (PMID: 17576681, 9536098). Algorithms developed to predict the effect of sequence changes on RNA splicing suggest that this variant is not likely to affect RNA splicing. This variant has not been reported in the literature in individuals affected with PLD3-related conditions. This variant is present in population databases (no rsID available, gnomAD 0.003%). This sequence change falls in intron 3 of the PLD3 gene. It does not directly change the encoded amino acid sequence of the PLD3 protein. It affects a nucleotide within the consensus splice site.

Literature cited by the submitters: PubMed 17576681; PubMed 9536098.